The following is an entry in ClinVar:

NM_000059.4(BRCA2):c.6771C>T (p.Pro2257=)

Gene: BRCA2 (BRCA2 DNA repair associated; plus strand). Cytogenetic location: 13q13.1.
Variant type: single nucleotide variant.
Coding change: c.6771C>T on transcript NM_000059.4 (MANE Select); coding-DNA position 6771, C replaced by T.
Protein change: p.Pro2257=; no amino-acid change (proline 2257 retained).
Molecular consequence: synonymous variant.
Genome position (GRCh38, 1-based): chr13:32,341,126, C>T. VCF-style: chr13-32341126-C-T. GRCh37 (hg19) VCF-style: chr13-32915263-C-T.
Identifiers: ClinVar variation 184113 (VCV000184113.67), dbSNP rs373696964, ClinGen allele CA024400.

ClinVar aggregate classification (germline): Likely benign. Review status: reviewed by expert panel (3 of 4 stars). 16 submissions from 16 submitters: Likely benign (1). 15 of the submissions do not count toward it. Last evaluated 2017-06-29.

Conditions:
BRCA2-related disorder. Also called: BRCA2-related condition; BRCA2-related disorders. Identifiers: MedGen CN239275.
Breast and/or ovarian cancer. Identifiers: MedGen CN221562.
Hereditary cancer-predisposing syndrome. Also called: Tumor predisposition; Neoplastic Syndromes, Hereditary; Hereditary Cancer Syndrome; Hereditary neoplastic syndrome. Identifiers: Orphanet 140162, MedGen C0027672, MeSH D009386, MONDO:0015356.
Familial cancer of breast. Also called: hereditary breast carcinoma; BREAST CANCER, FAMILIAL; Hereditary breast cancer. Identifiers: Orphanet 227535, MedGen C0346153, MONDO:0016419, OMIM 114480. Disease mechanism: loss of function.
Breast-ovarian cancer, familial, susceptibility to, 2 (BROVCA2). Also called: BRCA2 Hereditary Breast and Ovarian Cancer. Identifiers: Orphanet 145, MedGen C2675520, MONDO:0012933, OMIM 612555. Disease mechanism: loss of function.
Hereditary breast ovarian cancer syndrome. Also called: Hereditary breast and ovarian cancer; Hereditary breast and ovarian cancer syndrome (HBOC); Breast and ovarian cancer; Hereditary breast and/or ovarian cancer syndrome; BRCA1- and BRCA2-Associated Hereditary Breast and Ovarian Cancer; Hereditary breast and ovarian cancer syndrome. Identifiers: Orphanet 145, MedGen C0677776, MeSH D061325, MONDO:0003582. Disease mechanism: loss of function.

Allele frequency attached by ClinVar (database versions not stated): gnomAD exomes 0.00002; TOPMed 0.00002; gnomAD 0.00003.
gnomAD v4.1: 35 of 1,613,712 alleles (0.0022%); highest among the groups gnomAD compares: South Asian, 0.018%; no homozygotes.

Submissions (16):

Evidence-based Network for the Interpretation of Germline Mutant Alleles (ENIGMA)
Classification: Likely benign for Breast-ovarian cancer, familial, susceptibility to, 2. Last evaluated: 2017-06-29. Review status: reviewed by expert panel. Criteria: ENIGMA BRCA1/2 Classification Criteria (2017-06-29). Collection method: curation. Allele origin: germline.
Comment: Synonymous substitution variant, with low bioinformatic likelihood to result in a splicing aberration (Splicing prior probability 0.02).

Labcorp Genetics (formerly Invitae), Labcorp
Classification: Likely benign for Hereditary breast ovarian cancer syndrome. Last evaluated: 2025-11-24. Review status: criteria provided, single submitter. Criteria: Invitae Variant Classification Sherloc (09022015). Collection method: clinical testing. Allele origin: germline. Not counted in ClinVar's aggregate classification.

PreventionGenetics, part of Exact Sciences
Classification: Likely benign for BRCA2-related condition. Last evaluated: 2025-05-06. Review status: criteria provided, single submitter. Criteria: ACMG Guidelines, 2015. Collection method: clinical testing. Allele origin: germline. Not counted in ClinVar's aggregate classification.
Comment: This variant is classified as likely benign based on ACMG/AMP sequence variant interpretation guidelines (Richards et al. 2015 PMID: 25741868, with internal and published modifications).

KCCC/NGS Laboratory, Kuwait Cancer Control Center
Classification: Benign for Familial cancer of breast. Last evaluated: 2025-02-01. Review status: criteria provided, single submitter. Criteria: ACMG Guidelines, 2015. Collection method: clinical testing. Allele origin: germline. Affected: no. Not counted in ClinVar's aggregate classification.

Department of Pathology and Laboratory Medicine, Sinai Health System
Classification: Likely benign for Familial cancer of breast; Breast-ovarian cancer, familial, susceptibility to, 2. Last evaluated: 2023-12-18. Review status: criteria provided, single submitter. Criteria: ACMG Guidelines, 2015. Collection method: clinical testing. Allele origin: germline. Affected: yes. Not counted in ClinVar's aggregate classification.

Blueprint Genetics
Classification: Likely benign. Last evaluated: 2023-10-26. Review status: criteria provided, single submitter. Criteria: ACMG Guidelines, 2015. Collection method: clinical testing. Allele origin: germline. Not counted in ClinVar's aggregate classification.

All of Us Research Program, National Institutes of Health
Classification: Likely benign for Breast-ovarian cancer, familial, susceptibility to, 2. Last evaluated: 2023-08-15. Review status: criteria provided, single submitter. Criteria: ACMG Guidelines, 2015. Collection method: clinical testing. Allele origin: germline. Inheritance: Autosomal dominant inheritance. Observed: 2 variant alleles, 2 heterozygotes. Not counted in ClinVar's aggregate classification.
Comment: This study involves interpretation of variants in research participants for the purpose of population health screening. Participant phenotype was not available at the time of variant classification. Additional details can be found in publication PMID: 35346344, PMCID: PMC8962531

CeGaT Center for Human Genetics Tuebingen
Classification: Likely benign. Last evaluated: 2023-06-01. Review status: criteria provided, single submitter. Criteria: CeGaT Center For Human Genetics Tuebingen Variant Classification Criteria Version 2. Collection method: clinical testing. Allele origin: germline. Affected: yes. Observed: 2 variant alleles. Not counted in ClinVar's aggregate classification.
Comment: BRCA2: BP4, BP7

Quest Diagnostics Nichols Institute San Juan Capistrano
Classification: Likely benign. Last evaluated: 2023-04-11. Review status: criteria provided, single submitter. Criteria: Quest Diagnostics criteria. Collection method: clinical testing. Allele origin: unknown. Not counted in ClinVar's aggregate classification.

Sema4
Classification: Likely benign for Hereditary cancer-predisposing syndrome. Last evaluated: 2021-04-29. Review status: criteria provided, single submitter. Criteria: Sema4 Curation Guidelines. Collection method: curation. Allele origin: germline. Not counted in ClinVar's aggregate classification.

GeneDx
Classification: Likely benign. Last evaluated: 2019-09-18. Review status: criteria provided, single submitter. Criteria: GeneDx Variant Classification Process June 2021. Collection method: clinical testing. Allele origin: germline. Affected: yes. Not counted in ClinVar's aggregate classification.

Women's Health and Genetics/Laboratory Corporation of America, LabCorp
Classification: Likely benign. Last evaluated: 2019-08-21. Review status: criteria provided, single submitter. Criteria: LabCorp Variant Classification Summary - May 2015. Collection method: clinical testing. Allele origin: germline. Not counted in ClinVar's aggregate classification.

Color Diagnostics, LLC DBA Color Health
Classification: Likely benign for Hereditary cancer-predisposing syndrome. Last evaluated: 2017-01-22. Review status: criteria provided, single submitter. Criteria: ACMG Guidelines, 2015. Collection method: clinical testing. Allele origin: germline. Not counted in ClinVar's aggregate classification.

CHEO Genetics Diagnostic Laboratory, Children's Hospital of Eastern Ontario
Classification: Likely benign for Breast and/or ovarian cancer. Last evaluated: 2016-02-23. Review status: criteria provided, single submitter. Criteria: ACMG Guidelines, 2015. Collection method: clinical testing. Allele origin: germline. Study: Canadian Open Genetics Repository. Not counted in ClinVar's aggregate classification.

Ambry Genetics
Classification: Likely benign for Hereditary cancer-predisposing syndrome. Last evaluated: 2014-09-26. Review status: criteria provided, single submitter. Criteria: Ambry Variant Classification Scheme 2023. Collection method: clinical testing. Allele origin: germline. Not counted in ClinVar's aggregate classification.

Counsyl
Classification: Likely benign for Breast-ovarian cancer, familial, susceptibility to, 2. Last evaluated: 2016-09-12. Review status: no assertion criteria provided. Collection method: clinical testing. Allele origin: unknown. Not counted in ClinVar's aggregate classification.

Literature cited by the submitters: PubMed 32467295 (cited by Department of Pathology and Laboratory Medicine, Sinai Health System and Quest Diagnostics Nichols Institute San Juan Capistrano); PubMed 7 (cited by Department of Pathology and Laboratory Medicine, Sinai Health System); PubMed 14973102 (cited by Quest Diagnostics Nichols Institute San Juan Capistrano and Ambry Genetics); PubMed 30287823 (cited by Quest Diagnostics Nichols Institute San Juan Capistrano).